The following is an entry in ClinVar:

NM_000018.4(ACADVL):c.964G>C (p.Val322Leu)

Gene: ACADVL (acyl-CoA dehydrogenase very long chain; plus strand). Cytogenetic location: 17p13.1.
Variant type: single nucleotide variant.
Coding change: c.964G>C on transcript NM_000018.4 (MANE Select); coding-DNA position 964, G replaced by C.
Protein change: p.Val322Leu; replaces valine 322 with leucine.
Molecular consequence: missense variant.
Genome position (GRCh38, 1-based): chr17:7,222,752, G>C. VCF-style: chr17-7222752-G-C. GRCh37 (hg19) VCF-style: chr17-7126071-G-C.
Other names: c.898G>C, p.Val300Leu (NM_001033859.3); c.1033G>C, p.Val345Leu (NM_001270447.2); c.736G>C, p.Val246Leu (NM_001270448.2); short protein forms V246L, V300L, V322L, V345L.
Identifiers: ClinVar variation 3652431 (VCV003652431.1).

ClinVar aggregate classification (germline): Uncertain significance (1 of 4 stars; one submission).

Conditions:
Very long chain acyl-CoA dehydrogenase deficiency (ACADVLD). Also called: Very Long-Chain Acyl-Coenzyme A Dehydrogenase Deficiency; VLCAD Deficiency. Identifiers: Orphanet 26793, MedGen C3887523, MONDO:0008723, OMIM 201475.

gnomAD v4.1: 1 of 1,614,120 alleles (0.000062%); highest among the groups gnomAD compares: Non-Finnish European, 0.000085%; no homozygotes.

Submission:

Labcorp Genetics (formerly Invitae), Labcorp
Classification: Uncertain significance for Very long chain acyl-CoA dehydrogenase deficiency. Last evaluated: 2024-03-04. Review status: criteria provided, single submitter. Criteria: Invitae Variant Classification Sherloc (09022015). Collection method: clinical testing. Allele origin: germline.
Comment: This sequence change replaces valine, which is neutral and non-polar, with leucine, which is neutral and non-polar, at codon 322 of the ACADVL protein (p.Val322Leu). This variant is not present in population databases (gnomAD no frequency). This variant has not been reported in the literature in individuals affected with ACADVL-related conditions. Advanced modeling of protein sequence and biophysical properties (such as structural, functional, and spatial information, amino acid conservation, physicochemical variation, residue mobility, and thermodynamic stability) has been performed at Invitae for this missense variant, however the output from this modeling did not meet the statistical confidence thresholds required to predict the impact of this variant on ACADVL protein function. In summary, the available evidence is currently insufficient to determine the role of this variant in disease. Therefore, it has been classified as a Variant of Uncertain Significance.